The following is an entry in ClinVar:

NM_001081.4(CUBN):c.2275A>G (p.Ser759Gly)

Gene: CUBN (cubilin; minus strand). Cytogenetic location: 10p13.
Variant type: single nucleotide variant.
Coding change: c.2275A>G on transcript NM_001081.4 (MANE Select); coding-DNA position 2275, A replaced by G.
Protein change: p.Ser759Gly; replaces serine 759 with glycine.
Molecular consequence: missense variant.
Genome position (GRCh38, 1-based): chr10:17,084,297, T>C on the plus strand (A>G on the coding strand, the complement: CUBN is on the minus strand). VCF-style: chr10-17084297-T-C. GRCh37 (hg19) VCF-style: chr10-17126296-T-C.
Other names: short protein forms S759G.
Identifiers: ClinVar variation 2194296 (VCV002194296.2), dbSNP rs1025857840, ClinGen allele CA203644626.

ClinVar aggregate classification (germline): Uncertain significance (1 of 4 stars; one submission).

Conditions:
Imerslund-Grasbeck syndrome. Also called: PERNICIOUS ANEMIA, JUVENILE, DUE TO SELECTIVE INTESTINAL MALABSORPTION OF VITAMIN B12, WITH PROTEINURIA; Megaloblastic anemia due to inborn errors of metabolism; Imerslund-Gräsbeck syndrome; ENTEROCYTE COBALAMIN MALABSORPTION; ENTEROCYTE INTRINSIC FACTOR RECEPTOR, DEFECT OF. Identifiers: Orphanet 35858, MedGen C4551825, MONDO:0009853.

Allele frequency attached by ClinVar (database versions not stated): gnomAD exomes below 0.00001; gnomAD 0.00001; TOPMed 0.00005.
gnomAD v4.1: 6 of 1,613,992 alleles (0.00037%); highest among the groups gnomAD compares: African/African-American, 0.0027%; no homozygotes.

Submission:

Labcorp Genetics (formerly Invitae), Labcorp
Classification: Uncertain significance for Imerslund-Grasbeck syndrome. Last evaluated: 2022-04-04. Review status: criteria provided, single submitter. Criteria: Invitae Variant Classification Sherloc (09022015). Collection method: clinical testing. Allele origin: germline.
Comment: This variant is not present in population databases (gnomAD no frequency). This variant has not been reported in the literature in individuals affected with CUBN-related conditions. Algorithms developed to predict the effect of missense changes on protein structure and function output the following: SIFT: "Tolerated"; PolyPhen-2: "Benign"; Align-GVGD: "Class C0". The glycine amino acid residue is found in multiple mammalian species, which suggests that this missense change does not adversely affect protein function. In summary, the available evidence is currently insufficient to determine the role of this variant in disease. Therefore, it has been classified as a Variant of Uncertain Significance. This sequence change replaces serine, which is neutral and polar, with glycine, which is neutral and non-polar, at codon 759 of the CUBN protein (p.Ser759Gly).